The following is an entry in ClinVar:

NM_016507.4(CDK12):c.2597T>C (p.Leu866Ser)

Gene: CDK12 (cyclin dependent kinase 12; plus strand). Cytogenetic location: 17q12.
Variant type: single nucleotide variant.
Coding change: c.2597T>C on transcript NM_016507.4 (MANE Select); coding-DNA position 2597, T replaced by C.
Protein change: p.Leu866Ser; replaces leucine 866 with serine.
Molecular consequence: missense variant.
Genome position (GRCh38, 1-based): chr17:39,501,427, T>C. VCF-style: chr17-39501427-T-C. GRCh37 (hg19) VCF-style: chr17-37657680-T-C.
Other names: c.2597T>C, p.Leu866Ser (NM_015083.4); short protein forms L866S.
Identifiers: ClinVar variation 4224344 (VCV004224344.1).

ClinVar aggregate classification (germline): Uncertain significance (1 of 4 stars; one submission).

Submission:

Ambry Genetics
Classification: Uncertain significance. Last evaluated: 2025-08-03. Review status: criteria provided, single submitter. Criteria: Ambry Variant Classification Scheme 2023. Collection method: clinical testing. Allele origin: germline.
Comment: The p.L866S variant (also known as c.2597T>C), located in coding exon 6 of the CDK12 gene, results from a T to C substitution at nucleotide position 2597. The leucine at codon 866 is replaced by serine, an amino acid with dissimilar properties. This amino acid position is conserved. In addition, this alteration is predicted to be deleterious by in silico analysis. Based on the available evidence, the clinical significance of this variant remains unclear.